The following is an entry in ClinVar:

ClinVar aggregate classification (germline): Likely benign (0 of 4 stars; one submission).

Conditions:
KAT2B-related disorder. Also called: KAT2B-related condition.

gnomAD v4.1: 36 of 1,614,058 alleles (0.0022%); highest among the groups gnomAD compares: Admixed American, 0.047%; no homozygotes.

Submission:

PreventionGenetics, part of Exact Sciences
Classification: Likely benign for KAT2B-related condition. Last evaluated: 2024-06-14. Review status: no assertion criteria provided. Collection method: clinical testing. Allele origin: germline.
Comment: This variant is classified as likely benign based on ACMG/AMP sequence variant interpretation guidelines (Richards et al. 2015 PMID: 25741868, with internal and published modifications).

NM_003884.5(KAT2B):c.2175T>C (p.Pro725=)

Gene: KAT2B (lysine acetyltransferase 2B; plus strand). Cytogenetic location: 3p24.3.
Variant type: single nucleotide variant.
Coding change: c.2175T>C on transcript NM_003884.5 (MANE Select); coding-DNA position 2175, T replaced by C.
Protein change: p.Pro725=; no amino-acid change (proline 725 retained).
Molecular consequence: synonymous variant.
Genome position (GRCh38, 1-based): chr3:20,148,261, T>C. VCF-style: chr3-20148261-T-C. GRCh37 (hg19) VCF-style: chr3-20189753-T-C.
Identifiers: ClinVar variation 3352931 (VCV003352931.1).